The following is an entry in ClinVar:

ClinVar aggregate classification (germline): Uncertain significance (1 of 4 stars; one submission).

Conditions:
Dilated cardiomyopathy 1G (CMD1G). Identifiers: Orphanet 154, MedGen C1858763, MONDO:0011400, OMIM 604145.
Autosomal recessive limb-girdle muscular dystrophy type 2J (LGMDR10). Also called: Limb-girdle muscular dystrophy, type 2J; MUSCULAR DYSTROPHY, LIMB-GIRDLE, AUTOSOMAL RECESSIVE 10. Identifiers: Orphanet 140922, MedGen C1837342, MONDO:0012127, OMIM 608807.

Allele frequency attached by ClinVar (database versions not stated): gnomAD exomes below 0.00001; gnomAD 0.00001.
gnomAD v4.1: 3 of 1,613,976 alleles (0.00019%); highest among the groups gnomAD compares: Admixed American, 0.005%; no homozygotes.

Submission:

Labcorp Genetics (formerly Invitae), Labcorp
Classification: Uncertain significance for Dilated cardiomyopathy 1G; Limb-girdle muscular dystrophy, type 2J. Last evaluated: 2018-06-22. Review status: criteria provided, single submitter. Criteria: Invitae Variant Classification Sherloc (09022015). Collection method: clinical testing. Allele origin: germline.
Comment: This sequence change replaces isoleucine with methionine at codon 777 of the TTN protein (p.Ile777Met). The isoleucine residue is @@AA_CONSERV@@ conserved and there is a small physicochemical difference between isoleucine and methionine. This variant is not present in population databases (ExAC no frequency). This variant has not been reported in the literature in individuals with TTN-related disease. In summary, the available evidence is currently insufficient to determine the role of this variant in disease. Therefore, it has been classified as a Variant of Uncertain Significance.

NM_001267550.2(TTN):c.2331C>G (p.Ile777Met)

Gene: TTN (titin; minus strand). Cytogenetic location: 2q31.2.
Variant type: single nucleotide variant.
Coding change: c.2331C>G on transcript NM_001267550.2 (MANE Select); coding-DNA position 2331, C replaced by G.
Protein change: p.Ile777Met; replaces isoleucine 777 with methionine.
Molecular consequence: missense variant.
Genome position (GRCh38, 1-based): chr2:178,785,887, G>C on the plus strand (C>G on the coding strand, the complement: TTN is on the minus strand). VCF-style: chr2-178785887-G-C. GRCh37 (hg19) VCF-style: chr2-179650614-G-C.
Other names: c.2331C>G, p.Ile777Met (NM_001256850.1, NM_133379.5, NM_133378.4); c.2193C>G, p.Ile731Met (NM_133432.3, NM_003319.4, NM_133437.4); short protein forms I777M, I731M.
Identifiers: ClinVar variation 579704 (VCV000579704.1), dbSNP rs1157627413, ClinGen allele CA349499789.